The following is an entry in ClinVar:

NM_000574.5(CD55):c.896C>G (p.Pro299Arg)

Gene: CD55 (CD55 molecule (Cromer blood group); plus strand). Cytogenetic location: 1q32.2.
Variant type: single nucleotide variant.
Coding change: c.896C>G on transcript NM_000574.5 (MANE Select); coding-DNA position 896, C replaced by G.
Protein change: p.Pro299Arg; replaces proline 299 with arginine.
Molecular consequence: missense variant. On other transcripts: non-coding transcript variant (1).
Genome position (GRCh38, 1-based): chr1:207,336,735, C>G. VCF-style: chr1-207336735-C-G. GRCh37 (hg19) VCF-style: chr1-207510080-C-G.
Other names: c.896C>G, p.Pro299Arg (NM_001114752.3, NM_001300902.2, NM_001300903.2 and 1 more transcripts); short protein forms P299R.
Identifiers: ClinVar variation 2192351 (VCV002192351.4), dbSNP rs547605946, ClinGen allele CA1368127.

ClinVar aggregate classification (germline): Uncertain significance. Review status: criteria provided, multiple submitters, no conflicts (2 of 4 stars). 2 submissions from 2 submitters: Uncertain significance (2). Last evaluated 2025-11-26.

Conditions:
Inborn genetic diseases. Identifiers: MedGen C0950123, MeSH D030342.

Allele frequency attached by ClinVar (database versions not stated): ExAC 0.00001; 1000 Genomes Project 30x 0.00031; gnomAD exomes below 0.00001; gnomAD 0.00001; TOPMed 0.00001; 1000 Genomes Project 0.00020.
gnomAD v4.1: 3 of 1,613,866 alleles (0.00019%); highest among the groups gnomAD compares: Admixed American, 0.0033%; no homozygotes.

Submissions (2):

Ambry Genetics
Classification: Uncertain significance for Inborn genetic diseases. Last evaluated: 2025-11-26. Review status: criteria provided, single submitter. Criteria: Ambry Variant Classification Scheme 2023. Collection method: clinical testing. Allele origin: germline.

Labcorp Genetics (formerly Invitae), Labcorp
Classification: Uncertain significance. Last evaluated: 2024-10-28. Review status: criteria provided, single submitter. Criteria: Invitae Variant Classification Sherloc (09022015). Collection method: clinical testing. Allele origin: germline.
Comment: This sequence change replaces proline, which is neutral and non-polar, with arginine, which is basic and polar, at codon 299 of the CD55 protein (p.Pro299Arg). This variant is present in population databases (rs547605946, gnomAD 0.003%). This variant has not been reported in the literature in individuals affected with CD55-related conditions. ClinVar contains an entry for this variant (Variation ID: 2192351). Invitae Evidence Modeling of protein sequence and biophysical properties (such as structural, functional, and spatial information, amino acid conservation, physicochemical variation, residue mobility, and thermodynamic stability) indicates that this missense variant is not expected to disrupt CD55 protein function with a negative predictive value of 80%. In summary, the available evidence is currently insufficient to determine the role of this variant in disease. Therefore, it has been classified as a Variant of Uncertain Significance.